The following is an entry in ClinVar:

NM_004064.5(CDKN1B):c.53C>T (p.Ala18Val)

Gene: CDKN1B (cyclin dependent kinase inhibitor 1B; plus strand). Cytogenetic location: 12p13.1.
Variant type: single nucleotide variant.
Coding change: c.53C>T on transcript NM_004064.5 (MANE Select); coding-DNA position 53, C replaced by T.
Protein change: p.Ala18Val; replaces alanine 18 with valine.
Molecular consequence: missense variant.
Genome position (GRCh38, 1-based): chr12:12,717,892, C>T. VCF-style: chr12-12717892-C-T. GRCh37 (hg19) VCF-style: chr12-12870826-C-T.
Other names: c.53C>T (NM_004064.3); short protein forms A18V.
Identifiers: ClinVar variation 1809551 (VCV001809551.7), dbSNP rs1277429969, ClinGen allele CA383968195.

ClinVar aggregate classification (germline): Uncertain significance. Review status: criteria provided, multiple submitters, no conflicts (2 of 4 stars). 3 submissions from 3 submitters: Uncertain significance (3). Last evaluated 2026-03-09.

Conditions:
Hereditary cancer-predisposing syndrome. Also called: Tumor predisposition; Hereditary Cancer Syndrome; Hereditary neoplastic syndrome; Neoplastic Syndromes, Hereditary. Identifiers: Orphanet 140162, MedGen C0027672, MeSH D009386, MONDO:0015356.
Multiple endocrine neoplasia type 4. Also called: MULTIPLE ENDOCRINE NEOPLASIA, TYPE IV. Identifiers: Orphanet 276152, MedGen C1970712, MONDO:0012552, OMIM 610755.

Submissions (3):

Ambry Genetics
Classification: Uncertain significance for Hereditary cancer-predisposing syndrome. Last evaluated: 2026-03-09. Review status: criteria provided, single submitter. Criteria: Ambry Variant Classification Scheme 2023. Collection method: clinical testing. Allele origin: germline.
Comment: The p.A18V variant (also known as c.53C>T), located in coding exon 1 of the CDKN1B gene, results from a C to T substitution at nucleotide position 53. The alanine at codon 18 is replaced by valine, an amino acid with similar properties. This amino acid position is not well conserved in available vertebrate species. In addition, this alteration is predicted to be tolerated by in silico analysis. Based on the available evidence, the clinical significance of this variant remains unclear.

Labcorp Genetics (formerly Invitae), Labcorp
Classification: Uncertain significance for Multiple endocrine neoplasia type 4. Last evaluated: 2022-06-23. Review status: criteria provided, single submitter. Criteria: Invitae Variant Classification Sherloc (09022015). Collection method: clinical testing. Allele origin: germline.
Comment: In summary, the available evidence is currently insufficient to determine the role of this variant in disease. Therefore, it has been classified as a Variant of Uncertain Significance. Algorithms developed to predict the effect of missense changes on protein structure and function (SIFT, PolyPhen-2, Align-GVGD) all suggest that this variant is likely to be disruptive. This variant has not been reported in the literature in individuals affected with CDKN1B-related conditions. This variant is not present in population databases (gnomAD no frequency). This sequence change replaces alanine, which is neutral and non-polar, with valine, which is neutral and non-polar, at codon 18 of the CDKN1B protein (p.Ala18Val).

Quest Diagnostics Nichols Institute San Juan Capistrano
Classification: Uncertain significance. Last evaluated: 2021-09-01. Review status: criteria provided, single submitter. Criteria: Quest Diagnostics criteria. Collection method: clinical testing. Allele origin: unknown.